The following is an entry in ClinVar:

NM_000540.3(RYR1):c.12568_12576del (p.Glu4190_Ile4192del)

Gene: RYR1 (ryanodine receptor 1; plus strand). Cytogenetic location: 19q13.2.
Variant type: Deletion.
Coding change: c.12568_12576del on transcript NM_000540.3 (MANE Select); coding-DNA positions 12568 to 12576, 9 bases deleted (GAGCGCATC; older notation c.12568_12576delGAGCGCATC).
Protein change: p.Glu4190_Ile4192del.
Molecular consequence: inframe deletion.
Genome position (GRCh38, 1-based): chr19:38,561,398-38,561,406, GAGCGCATC deleted; deleting any 9 consecutive bases within chr19:38,561,392-38,561,406 gives the same sequence; the c. name uses the placement nearest the transcript's 3' end. VCF-style (leftmost placement, unchanged base first): chr19-38561391-CCGCATCGAG-C. GRCh37 (hg19) VCF-style: chr19-39052031-CCGCATCGAG-C.
Other names: c.12553_12561del, p.Glu4185_Ile4187del (NM_001042723.2).
Identifiers: ClinVar variation 983125 (VCV000983125.14), dbSNP rs1176364208, ClinGen allele CA633066789.

ClinVar aggregate classification (germline): Uncertain significance. Review status: criteria provided, multiple submitters, no conflicts (2 of 4 stars). 5 submissions from 5 submitters: Uncertain significance (5). Last evaluated 2025-10-20.

Conditions:
Central core myopathy (CMYO1A). Also called: Central core disease; Myopathy, central fibrillar; CONGENITAL MYOPATHY 1A, AUTOSOMAL DOMINANT, WITH SUSCEPTIBILITY TO MALIGNANT HYPERTHERMIA. Identifiers: Orphanet 597, MedGen C5830701, MONDO:0007294, OMIM 117000.
Malignant hyperthermia, susceptibility to, 1 (MHS1). Also called: RYR1-Related Malignant Hyperthermia Susceptibility; Malignant hyperthermia suceptibility 1; Anesthesia related hyperthermia; Malignant hyperpyrexia; Fulminating hyperpyrexia; Pharmacogenic myopathy. Identifiers: Orphanet 423, MedGen C2930980, MONDO:0007783, OMIM 145600.
RYR1-related disorder. Also called: RYR1-related condition; RYR1-related disorders. Identifiers: MedGen CN239331.

Submissions (5):

GeneDx
Classification: Uncertain significance. Last evaluated: 2025-10-20. Review status: criteria provided, single submitter. Criteria: GeneDx Variant Classification Process June 2021. Collection method: clinical testing. Allele origin: germline. Affected: yes.
Comment: Observed in an individual with adult-onset proximal weakness, scoliosis, and contractures who also harbored a second RYR1 variant, although phase was unknown (PMID: 29382405); In-frame deletion of 3 amino acids in a non-repeat region; Not observed at a significant frequency in large population cohorts (gnomAD); In silico analysis suggests that this variant does not alter protein structure/function; This variant is associated with the following publications: (PMID: 29382405)

Labcorp Genetics (formerly Invitae), Labcorp
Classification: Uncertain significance for RYR1-related disorder. Last evaluated: 2024-02-24. Review status: criteria provided, single submitter. Criteria: Invitae Variant Classification Sherloc (09022015). Collection method: clinical testing. Allele origin: germline.
Comment: This variant, c.12568_12576del, results in the deletion of 3 amino acid(s) of the RYR1 protein (p.Glu4190_Ile4192del), but otherwise preserves the integrity of the reading frame. This variant is present in population databases (no rsID available, gnomAD 0.0009%). This variant has been observed in individual(s) with clinical features of RYR1-related conditions (PMID: 29382405). ClinVar contains an entry for this variant (Variation ID: 983125). Experimental studies and prediction algorithms are not available or were not evaluated, and the functional significance of this variant is currently unknown. In summary, the available evidence is currently insufficient to determine the role of this variant in disease. Therefore, it has been classified as a Variant of Uncertain Significance.

Color Diagnostics, LLC DBA Color Health
Classification: Uncertain significance for Malignant hyperthermia, susceptibility to, 1. Last evaluated: 2023-07-31. Review status: criteria provided, single submitter. Criteria: ACMG Guidelines, 2015. Collection method: clinical testing. Allele origin: germline.
Comment: This variant causes the in-frame deletion of three amino acids in the RYR1 protein. To our knowledge, functional studies have not been reported for this variant. This variant has not been reported in individuals affected with autosomal dominant malignant hyperthermia in the literature, although it is associated with other phenotype(s) (ClinVar Variation ID: 983125PMID: 29382405). This variant has been identified in 2/249562 chromosomes in the general population by the Genome Aggregation Database (gnomAD). Due to insufficient evidence, this variant is classified as a Variant of Uncertain Significance for autosomal dominant malignant hyperthermia.

Revvity Omics, Revvity
Classification: Uncertain significance. Last evaluated: 2022-06-27. Review status: criteria provided, single submitter. Criteria: ACMG Guidelines, 2015. Collection method: clinical testing. Allele origin: germline.

Institute of Human Genetics, University of Leipzig Medical Center
Classification: Uncertain significance for Central core myopathy. Last evaluated: 2019-01-01. Review status: criteria provided, single submitter. Criteria: ACMG Guidelines, 2015. Collection method: clinical testing. Allele origin: unknown. Affected: yes.

Literature cited by the submitters: PubMed 29382405 (cited by Labcorp Genetics (formerly Invitae), Labcorp).